The following is an entry in ClinVar:

ClinVar aggregate classification (germline): Uncertain significance (1 of 4 stars; one submission).

Conditions:
Tuberous sclerosis 2 (TSC2). Identifiers: Orphanet 805, MedGen C1860707, MONDO:0013199, OMIM 613254.

Submission:

Labcorp Genetics (formerly Invitae), Labcorp
Classification: Uncertain significance for Tuberous sclerosis 2. Last evaluated: 2020-09-30. Review status: criteria provided, single submitter. Criteria: Invitae Variant Classification Sherloc (09022015). Collection method: clinical testing. Allele origin: germline.
Comment: In summary, the available evidence is currently insufficient to determine the role of this variant in disease. Therefore, it has been classified as a Variant of Uncertain Significance. Algorithms developed to predict the effect of missense changes on protein structure and function are either unavailable or do not agree on the potential impact of this missense change (SIFT: "Deleterious"; PolyPhen-2: "Probably Damaging"; Align-GVGD: "Class C0"). This variant has not been reported in the literature in individuals with TSC2-related conditions. This variant is not present in population databases (ExAC no frequency). This sequence change replaces leucine with proline at codon 1231 of the TSC2 protein (p.Leu1231Pro). The leucine residue is highly conserved and there is a moderate physicochemical difference between leucine and proline.

NM_000548.5(TSC2):c.3692T>C (p.Leu1231Pro)

Gene: TSC2 (TSC complex subunit 2; plus strand). Cytogenetic location: 16p13.3.
Variant type: single nucleotide variant.
Coding change: c.3692T>C on transcript NM_000548.5 (MANE Select); coding-DNA position 3692, T replaced by C.
Protein change: p.Leu1231Pro; replaces leucine 1231 with proline.
Molecular consequence: missense variant.
Genome position (GRCh38, 1-based): chr16:2,081,676, T>C. VCF-style: chr16-2081676-T-C. GRCh37 (hg19) VCF-style: chr16-2131677-T-C.
Other names: c.3560T>C, p.Leu1187Pro (NM_001077183.3, NM_001370404.1); c.3692T>C, p.Leu1231Pro (NM_001114382.3); c.3452T>C, p.Leu1151Pro (NM_001318827.2); c.3416T>C, p.Leu1139Pro (NM_001318829.2); c.2960T>C, p.Leu987Pro (NM_001318831.2); c.3593T>C, p.Leu1198Pro (NM_001318832.2); c.3563T>C, p.Leu1188Pro (NM_001363528.2, NM_001370405.1, NM_021055.3); short protein forms L1139P, L987P, L1151P, L1187P, L1188P, L1198P, L1231P.
Identifiers: ClinVar variation 1040960 (VCV001040960.8), dbSNP rs1055582947, ClinGen allele CA394292479.